The following is an entry in ClinVar:

NM_001375808.2(LPIN2):c.289-95_289-94del

Gene: LPIN2 (lipin 2; minus strand). Cytogenetic location: 18p11.31.
Variant type: Deletion.
Coding change: c.289-95_289-94del on transcript NM_001375808.2 (MANE Select); 95 bases into the intron before coding-DNA position 289 through 94 bases into the intron before coding-DNA position 289, 2 bases deleted (TT; older notation c.289-95_289-94delTT).
Molecular consequence: intron variant.
Genome position (GRCh38, 1-based): chr18:2,951,450-2,951,451, AA deleted on the plus strand (TT on the coding strand, the reverse complement: LPIN2 is on the minus strand); deleting any 2 consecutive bases within chr18:2,951,450-2,951,463 gives the same sequence; the c. name uses the placement nearest the transcript's 3' end. VCF-style (leftmost placement, unchanged base first): chr18-2951449-TAA-T. GRCh37 (hg19) VCF-style: chr18-2951447-TAA-T.
Other names: c.289-95_289-94del (NM_014646.2, NM_001375809.1).
Identifiers: ClinVar variation 1279731 (VCV001279731.3), dbSNP rs10570659, ClinGen allele CA295517484.

ClinVar aggregate classification (germline): Benign. Review status: criteria provided, multiple submitters, no conflicts (2 of 4 stars). 2 submissions from 2 submitters: Benign (2). Last evaluated 2023-11-12.

Submissions (2):

Unidad de Genómica Garrahan, Hospital de Pediatría Garrahan
Classification: Benign. Last evaluated: 2023-11-12. Review status: criteria provided, single submitter. Criteria: ACMG Guidelines, 2015. Collection method: clinical testing. Allele origin: germline. Affected: no. Observed: 48 variant alleles.
Comment: This variant is classified as Benign based on local population frequency. This variant was detected in 50% of patients studied by a panel of primary immunodeficiencies. Number of patients: 48. Only high quality variants are reported.

GeneDx
Classification: Benign. Last evaluated: 2019-08-10. Review status: criteria provided, single submitter. Criteria: GeneDx Variant Classification Process June 2021. Collection method: clinical testing. Allele origin: germline. Affected: yes.